The following is an entry in ClinVar:

NM_001105206.3(LAMA4):c.3111-48C>T

Gene: LAMA4 (laminin subunit alpha 4; minus strand). Cytogenetic location: 6q21.
Variant type: single nucleotide variant.
Coding change: c.3111-48C>T on transcript NM_001105206.3 (MANE Select); 48 bases into the intron before coding-DNA position 3111, C replaced by T.
Molecular consequence: intron variant.
Genome position (GRCh38, 1-based): chr6:112,139,339, G>A on the plus strand (C>T on the coding strand, the complement: LAMA4 is on the minus strand). VCF-style: chr6-112139339-G-A. GRCh37 (hg19) VCF-style: chr6-112460541-G-A.
Other names: c.3090-48C>T (NM_002290.5, NM_001105207.3).
Identifiers: ClinVar variation 671118 (VCV000671118.1), dbSNP rs2072019, ClinGen allele CA3965310.
Genomic context (GRCh38, chr6:112,139,339, plus strand): 5'-GGCCAGCTTATCTCTGAAATGGAAACACAACGGTCATTTGAACACTACAGTTTCTGTTAT[G>A]CTTTTCAAGTGAAGCCCTTTTAACCCATTCTTCTAACATCTTCTGTGGACCTTACAACAT-3'

ClinVar aggregate classification (germline): Benign (1 of 4 stars; one submission).

Allele frequency attached by ClinVar (database versions not stated): gnomAD exomes 0.25511; ExAC 0.25863; 1000 Genomes Project 0.30052; 1000 Genomes Project 30x 0.30278; TOPMed 0.30627; ESP Exome Variant Server 0.31009.
gnomAD v4.1: 429,912 of 1,598,806 alleles (27%); highest among the groups gnomAD compares: East Asian, 42%; 59,894 homozygotes.

Submission:

GeneDx
Classification: Benign. Last evaluated: 2018-06-15. Review status: criteria provided, single submitter. Criteria: GeneDx Variant Classification (06012015). Collection method: clinical testing. Allele origin: germline. Affected: yes.
Comment: This variant is considered likely benign or benign based on one or more of the following criteria: it is a conservative change, it occurs at a poorly conserved position in the protein, it is predicted to be benign by multiple in silico algorithms, and/or has population frequency not consistent with disease.